The following is an entry in ClinVar:

NM_000350.3(ABCA4):c.4254-2A>G

Gene: ABCA4 (ATP binding cassette subfamily A member 4; minus strand). Cytogenetic location: 1p22.1.
Variant type: single nucleotide variant.
Coding change: c.4254-2A>G on transcript NM_000350.3 (MANE Select); the canonical splice acceptor site of the intron before coding-DNA position 4254, A replaced by G.
Molecular consequence: splice acceptor variant.
Genome position (GRCh38, 1-based): chr1:94,030,528, T>C on the plus strand (A>G on the coding strand, the complement: ABCA4 is on the minus strand). VCF-style: chr1-94030528-T-C. GRCh37 (hg19) VCF-style: chr1-94496084-T-C.
Identifiers: ClinVar variation 99268 (VCV000099268.2), dbSNP rs61752431, ClinGen allele CA227175.

ClinVar aggregate classification (germline): Pathogenic. Review status: criteria provided, single submitter (1 of 4 stars). 2 submissions from 2 submitters: Pathogenic (1). 1 of the submissions does not count toward it. Last evaluated 2025-10-26.

Submissions (2):

Labcorp Genetics (formerly Invitae), Labcorp
Classification: Pathogenic. Last evaluated: 2025-10-26. Review status: criteria provided, single submitter. Criteria: Invitae Variant Classification Sherloc (09022015). Collection method: clinical testing. Allele origin: germline.
Comment: This sequence change affects an acceptor splice site in intron 28 of the ABCA4 gene. It is expected to disrupt RNA splicing. Variants that disrupt the donor or acceptor splice site typically lead to a loss of protein function (PMID: 16199547), and loss-of-function variants in ABCA4 are known to be pathogenic (PMID: 10958761, 24938718, 25312043, 26780318). This variant is not present in population databases (gnomAD no frequency). Disruption of this splice site has been observed in individual(s) with retinitis pigmentosa and/or Stargardt disease (PMID: 22334370, 23143460, 35120629). This variant is also known as IVS28-2A>G . ClinVar contains an entry for this variant (Variation ID: 99268). Algorithms developed to predict the effect of sequence changes on RNA splicing suggest that this variant may disrupt the consensus splice site. For these reasons, this variant has been classified as Pathogenic.

Retina International
No classification provided. Review status: no classification provided. Collection method: not provided. Allele origin: not provided. Not counted in ClinVar's aggregate classification.

Literature cited by the submitters: PubMed 16199547 (cited by Labcorp Genetics (formerly Invitae), Labcorp); PubMed 10958761 (cited by Labcorp Genetics (formerly Invitae), Labcorp); PubMed 24938718 (cited by Labcorp Genetics (formerly Invitae), Labcorp); PubMed 25312043 (cited by Labcorp Genetics (formerly Invitae), Labcorp); PubMed 26780318 (cited by Labcorp Genetics (formerly Invitae), Labcorp); PubMed 22334370 (cited by Labcorp Genetics (formerly Invitae), Labcorp); PubMed 23143460 (cited by Labcorp Genetics (formerly Invitae), Labcorp); PubMed 35120629 (cited by Labcorp Genetics (formerly Invitae), Labcorp).